The following continues an entry in ClinVar:

NM_000540.3(RYR1):c.7360C>T (p.Arg2454Cys)

Gene: RYR1. ClinVar aggregate classification (germline): Pathogenic; drug response. Pathogenic (1).

Submissions 20 to 23 of 23:

Laboratory for Molecular Medicine, Mass General Brigham Personalized Medicine
Classification: Likely pathogenic for Malignant hyperthermia of anesthesia. Last evaluated: 2016-10-21. Review status: criteria provided, single submitter. Criteria: LMM Criteria. Collection method: clinical testing. Allele origin: germline. Inheritance: Autosomal dominant inheritance. Observed: 1 variant allele. Not counted in ClinVar's aggregate classification.
Comment: The p.Arg2454Cys variant in RYR1 has been reported in 4 individuals with maligna nt hyperthermia and segregated with disease in 2 affected relatives from 1 famil y (Brandt 1999, Gencik 2000, Monnier 2002, Monnier 2005). This variant has been identified in 2/30780 South Asian chromosomes by the Genome Aggregation Database (gnomAD; dbSNP rs193922816). In vitro functio nal studies provide some evidence that the p.Arg2454Cys variant may impact prote in function (Monnier 2005, Bannister 2007). However, these types of assays may n ot accurately represent biological function. Another variant at the same amino a cid position (p.Arg2454His) is likely disease causing for malignant hyperthermia , increasing the likelihood that the change to a cysteine would also be disease causing. Computational prediction tools and conservation analysis suggest that t he p.Arg2454Cys variant may impact the protein, though this information is not p redictive enough to determine pathogenicity. In summary, although additional stu dies are required to fully establish its clinical significance, the p.Arg2454Cys variant is likely pathogenic.

Eurofins Ntd Llc (ga)
Classification: Likely pathogenic. Last evaluated: 2014-04-29. Review status: criteria provided, single submitter. Criteria: EGL Classification Definitions 2015. Collection method: clinical testing. Allele origin: germline. Observed: 1 variant allele, 1 heterozygote. Not counted in ClinVar's aggregate classification.

Juno Genomics, Hangzhou Juno Genomics, Inc
Classification: Pathogenic for Malignant hyperthermia, susceptibility to, 1. Review status: criteria provided, single submitter. Criteria: ACMG Guidelines, 2015. Collection method: clinical testing. Allele origin: germline. Not counted in ClinVar's aggregate classification.
Comment: Absent from controls (or at extremely low frequency if recessive) in Genome Aggregation Database.;The prevalence of the variant in affected individuals is significantly increased compared to the prevalence in controls.;Co-segregation with disease in multiple affected family members.;Novel missense change at an amino acid residue where a different missense change determined to be pathogenic has been seen before.;Located in a mutational hot spot and/or critical and well-established functional domain without benign variation.;Multiple lines of computational evidence support a deleterious effect on the gene or gene product.

RYR1 database
No classification provided. Review status: no classification provided. Collection method: not provided. Allele origin: unknown. Not counted in ClinVar's aggregate classification.

Literature cited by the submitters: PubMed 10484775 (cited by 8 submitters); PubMed 10612851 (cited by 7 submitters); PubMed 12411788 (cited by 5 submitters); PubMed 16163667 (cited by 7 submitters); PubMed 20681998 (cited by ClinPGx); PubMed 24433488 (cited by ClinPGx and Color Diagnostics, LLC DBA Color Health); PubMed 25611019 (cited by 3 submitters); PubMed 25989378 (cited by 3 submitters); PubMed 29608462 (cited by ClinPGx and Molecular Genetics, Royal Melbourne Hospital); PubMed 16958617 (cited by 4 submitters); PubMed 27586648 (cited by 4 submitters); PubMed 10051009 (cited by Labcorp Genetics (formerly Invitae), Labcorp); PubMed 15448513 (cited by Labcorp Genetics (formerly Invitae), Labcorp); PubMed 27147545 (cited by Women's Health and Genetics/Laboratory Corporation of America, LabCorp); PubMed 21118704 (cited by Color Diagnostics, LLC DBA Color Health); PubMed 30864471 (cited by Color Diagnostics, LLC DBA Color Health and Victorian Clinical Genetics Services, Murdoch Childrens Research Institute); PubMed 23919265 (cited by Victorian Clinical Genetics Services, Murdoch Childrens Research Institute); PubMed 27855725 (cited by Victorian Clinical Genetics Services, Murdoch Childrens Research Institute); PubMed 30406384 (cited by Victorian Clinical Genetics Services, Murdoch Childrens Research Institute).